The following is an entry in ClinVar:

ClinVar aggregate classification (germline): Uncertain significance (1 of 4 stars; one submission).

Conditions:
Immunodeficiency 35 (IMD35). Also called: TYK2 DEFICIENCY; HIES WITH ATYPICAL MYCOBACTERIOSIS, AUTOSOMAL RECESSIVE; HYPER-IgE SYNDROME WITH ATYPICAL MYCOBACTERIOSIS, AUTOSOMAL RECESSIVE; Susceptibility to infection due to TYK2 deficiency. Identifiers: Orphanet 331226, MedGen C1969086, MONDO:0012682, OMIM 611521.

Submission:

Labcorp Genetics (formerly Invitae), Labcorp
Classification: Uncertain significance for Tyrosine kinase 2 deficiency. Last evaluated: 2019-12-13. Review status: criteria provided, single submitter. Criteria: Invitae Variant Classification Sherloc (09022015). Collection method: clinical testing. Allele origin: germline.
Comment: This variant results in a copy number gain of the genomic region encompassing exons 24-25 of the TYK2 gene. The 5' boundary is likely confined to intron 23. The 3' end of this event is unknown as it extends beyond the assayed region for this gene and therefore may encompass additional genes. As the precise location of this event is unknown, it may be in tandem or it may be located elsewhere in the genome. This variant has not been reported in the literature in individuals with TYK2-related conditions. In summary, the available evidence is currently insufficient to determine the role of this variant in disease. Therefore, it has been classified as a Variant of Uncertain Significance.

NC_000019.10:g.(?_10350814)_(10351182_?)dup

Gene: TYK2 (tyrosine kinase 2; minus strand). Cytogenetic location: 19p13.2.
Variant type: Duplication.
Identifiers: ClinVar variation 831442 (VCV000831442.2).